The following is an entry in ClinVar:

ClinVar aggregate classification (germline): Likely benign. Review status: criteria provided, multiple submitters, no conflicts (2 of 4 stars). 2 submissions from 2 submitters: Likely benign (2). Last evaluated 2018-06-14.

Allele frequency attached by ClinVar (database versions not stated): gnomAD exomes 0.00128; gnomAD 0.00970 and 0.01049; TOPMed 0.01098; 1000 Genomes Project 0.01158; ESP Exome Variant Server 0.01161; 1000 Genomes Project 30x 0.01265.
gnomAD v4.1: 3,404 of 1,596,656 alleles (0.21%); highest among the groups gnomAD compares: African/African-American, 3.3%; 50 homozygotes.

Submissions (2):

GeneDx
Classification: Likely benign. Last evaluated: 2018-06-14. Review status: criteria provided, single submitter. Criteria: GeneDx Variant Classification (06012015). Collection method: clinical testing. Allele origin: germline. Affected: yes.
Comment: This variant is considered likely benign or benign based on one or more of the following criteria: it is a conservative change, it occurs at a poorly conserved position in the protein, it is predicted to be benign by multiple in silico algorithms, and/or has population frequency not consistent with disease.

Breakthrough Genomics
Classification: Likely benign. Review status: criteria provided, single submitter. Criteria: ACMG Guidelines, 2015. Collection method: not provided. Allele origin: germline. Inheritance: Autosomal dominant inheritance. Affected: yes.

NM_000393.5(COL5A2):c.1977+61G>A

Gene: COL5A2 (collagen type V alpha 2 chain; minus strand). Cytogenetic location: 2q32.2.
Variant type: single nucleotide variant.
Coding change: c.1977+61G>A on transcript NM_000393.5 (MANE Select); 61 bases into the intron after coding-DNA position 1977, G replaced by A.
Molecular consequence: intron variant.
Genome position (GRCh38, 1-based): chr2:189,062,804, C>T on the plus strand (G>A on the coding strand, the complement: COL5A2 is on the minus strand). VCF-style: chr2-189062804-C-T. GRCh37 (hg19) VCF-style: chr2-189927530-C-T.
Identifiers: ClinVar variation 673977 (VCV000673977.2), dbSNP rs79568088, ClinGen allele CA62601082.